The following is an entry in ClinVar:

ClinVar aggregate classification (germline): Uncertain significance (1 of 4 stars; one submission).

gnomAD v4.1: 4 of 1,573,694 alleles (0.00025%); highest among the groups gnomAD compares: African/African-American, 0.0054%; no homozygotes.

Submission:

GeneDx
Classification: Uncertain significance. Last evaluated: 2025-01-03. Review status: criteria provided, single submitter. Criteria: GeneDx Variant Classification Process June 2021. Collection method: clinical testing. Allele origin: germline. Affected: yes.
Comment: In silico analysis indicates that this missense variant does not alter protein structure/function; Has not been previously published as pathogenic or benign to our knowledge

NM_024818.6(UBA5):c.116G>A (p.Arg39His)

Genes: NPHP3-ACAD11 (NPHP3-ACAD11 readthrough (NMD candidate); minus strand), UBA5 (ubiquitin like modifier activating enzyme 5; plus strand), LOC129937585 (ATAC-STARR-seq lymphoblastoid active region 20539; plus strand). Cytogenetic location: 3q22.1.
Variant type: single nucleotide variant.
Coding change: c.116G>A on transcript NM_024818.6 (MANE Select); coding-DNA position 116, G replaced by A.
Protein change: p.Arg39His; replaces arginine 39 with histidine.
Molecular consequence: missense variant. On other transcripts: 5 prime UTR variant (3), intron variant (1).
Genome position (GRCh38, 1-based): chr3:132,660,653, G>A. VCF-style: chr3-132660653-G-A. GRCh37 (hg19) VCF-style: chr3-132379497-G-A.
Other names: c.-403G>A (NM_001320210.2); c.-369G>A (NM_001321238.2); c.-85G>A (NM_001321239.1); c.-7-5170G>A (NM_198329.4); short protein forms R39H.
Identifiers: ClinVar variation 4055938 (VCV004055938.1).